The following is an entry in ClinVar:

NM_000264.5(PTCH1):c.2086dup (p.Thr696fs)

Genes: PTCH1 (patched 1; minus strand), LOC100507346 (uncharacterized LOC100507346; plus strand). Cytogenetic location: 9q22.32.
Variant type: Duplication.
Coding change: c.2086dup on transcript NM_000264.5 (MANE Select); coding-DNA position 2086, one base duplicated (A; older notation c.2086dupA).
Protein change: p.Thr696fs; shifts the reading frame from threonine 696.
Molecular consequence: frameshift variant. On other transcripts: non-coding transcript variant (2).
Genome position (GRCh38, 1-based): chr9:95,468,915, T duplicated on the plus strand (A on the coding strand, the reverse complement: PTCH1 is on the minus strand). VCF-style (leftmost placement, unchanged base first): chr9-95468914-G-GT. GRCh37 (hg19) VCF-style: chr9-98231196-G-GT.
Other names: c.2083dup, p.Thr695fs (NM_001083603.3); c.1633dup, p.Thr545fs (NM_001083604.3, NM_001083605.3, NM_001083606.3 and 1 more transcripts); c.1930dup, p.Thr644fs (NM_001354918.2); c.1888dup, p.Thr630fs (NM_001083602.3); short protein forms T545fs, T630fs, T644fs, T695fs, T696fs.
Identifiers: ClinVar variation 2444359 (VCV002444359.1), dbSNP rs2538146279, ClinGen allele CA2580080852.

ClinVar aggregate classification (germline): Likely pathogenic (1 of 4 stars; one submission).

Conditions:
Gorlin syndrome. Also called: Nevoid Basal Cell Carcinoma Syndrome; Basal cell nevus syndrome. Identifiers: Orphanet 377, MedGen C0004779, MONDO:0007187.

Submission:

3billion
Classification: Likely pathogenic for Basal cell nevus syndrome 1. Last evaluated: 2023-02-23. Review status: criteria provided, single submitter. Criteria: ACMG Guidelines, 2015. Collection method: clinical testing. Allele origin: unknown. Affected: yes.
Comment: The variant is not observed in the gnomAD v2.1.1 dataset. This variant was predicted to result in a loss or disruption of normal protein function through nonsense-mediated decay (NMD) or protein truncation. Multiple pathogenic variants are reported downstream of the variant. Therefore, this variant is classified as Likely pathogenic according to the recommendation of ACMG/AMP guideline.